The following is an entry in ClinVar:

ClinVar aggregate classification (germline): Benign (0 of 4 stars; one submission).

Conditions:
PDZD2-related disorder. Also called: PDZD2-related condition.

Allele frequency attached by ClinVar (database versions not stated): gnomAD exomes 0.00058; ExAC 0.00184; gnomAD 0.00462; ESP Exome Variant Server 0.00469; TOPMed 0.00492; 1000 Genomes Project 0.00899; 1000 Genomes Project 30x 0.01031.
gnomAD v4.1: 1,618 of 1,614,208 alleles (0.1%); highest among the groups gnomAD compares: African/African-American, 1.4%; 8 homozygotes.

Submission:

PreventionGenetics, part of Exact Sciences
Classification: Benign for PDZD2-related condition. Last evaluated: 2019-05-31. Review status: no assertion criteria provided. Collection method: clinical testing. Allele origin: germline.
Comment: This variant is classified as benign based on ACMG/AMP sequence variant interpretation guidelines (Richards et al. 2015 PMID: 25741868, with internal and published modifications).

NM_178140.4(PDZD2):c.111G>A (p.Ala37=)

Gene: PDZD2 (PDZ domain containing 2; plus strand). Cytogenetic location: 5p13.3.
Variant type: single nucleotide variant.
Coding change: c.111G>A on transcript NM_178140.4 (MANE Select); coding-DNA position 111, G replaced by A.
Protein change: p.Ala37=; no amino-acid change (alanine 37 retained).
Molecular consequence: synonymous variant.
Genome position (GRCh38, 1-based): chr5:31,799,359, G>A. VCF-style: chr5-31799359-G-A. GRCh37 (hg19) VCF-style: chr5-31799466-G-A.
Identifiers: ClinVar variation 3041665 (VCV003041665.2), dbSNP rs76324570, ClinGen allele CA3218525.